The following is an entry in ClinVar:

ClinVar aggregate classification (germline): Uncertain significance (1 of 4 stars; one submission).

Conditions:
NIK deficiency. Also called: Primary immunodeficiency with multifaceted aberrant lymphoid immunity. Identifiers: Orphanet 447731, MedGen C5680065, MONDO:0018642.

Allele frequency attached by ClinVar (database versions not stated): gnomAD exomes 0.00001.

Submission:

Labcorp Genetics (formerly Invitae), Labcorp
Classification: Uncertain significance for NIK deficiency. Last evaluated: 2020-10-09. Review status: criteria provided, single submitter. Criteria: Invitae Variant Classification Sherloc (09022015). Collection method: clinical testing. Allele origin: germline.
Comment: In summary, the available evidence is currently insufficient to determine the role of this variant in disease. Therefore, it has been classified as a Variant of Uncertain Significance. Experimental studies and prediction algorithms are not available or were not evaluated, and the functional significance of this variant is currently unknown. This variant has not been reported in the literature in individuals with MAP3K14-related conditions. This variant is not present in population databases (ExAC no frequency). This sequence change replaces serine with threonine at codon 572 of the MAP3K14 protein (p.Ser572Thr). The serine residue is weakly conserved and there is a small physicochemical difference between serine and threonine.

NM_003954.5(MAP3K14):c.1715G>C (p.Ser572Thr)

Gene: MAP3K14 (mitogen-activated protein kinase kinase kinase 14; minus strand). Cytogenetic location: 17q21.31.
Variant type: single nucleotide variant.
Coding change: c.1715G>C on transcript NM_003954.5 (MANE Select); coding-DNA position 1715, G replaced by C.
Protein change: p.Ser572Thr; replaces serine 572 with threonine.
Molecular consequence: missense variant.
Genome position (GRCh38, 1-based): chr17:45,271,164, C>G on the plus strand (G>C on the coding strand, the complement: MAP3K14 is on the minus strand). VCF-style: chr17-45271164-C-G. GRCh37 (hg19) VCF-style: chr17-43348531-C-G.
Other names: short protein forms S572T.
Identifiers: ClinVar variation 1060325 (VCV001060325.7), dbSNP rs1404009964, ClinGen allele CA399880130.